The following is an entry in ClinVar:

ClinVar aggregate classification (germline): Uncertain significance (1 of 4 stars; one submission).

Conditions:
Familial cold autoinflammatory syndrome 3 (FCAS3). Also called: FAMILIAL ATYPICAL COLD URTICARIA; ANTIBODY DEFICIENCY AND IMMUNE DYSREGULATION, PLCG2-ASSOCIATED. Identifiers: Orphanet 300359, MedGen C3280914, MONDO:0013766, OMIM 614468.

Submission:

Labcorp Genetics (formerly Invitae), Labcorp
Classification: Uncertain significance for Familial cold autoinflammatory syndrome 3. Last evaluated: 2022-10-30. Review status: criteria provided, single submitter. Criteria: Invitae Variant Classification Sherloc (09022015). Collection method: clinical testing. Allele origin: germline.
Comment: In summary, the available evidence is currently insufficient to determine the role of this variant in disease. Therefore, it has been classified as a Variant of Uncertain Significance. Algorithms developed to predict the effect of sequence changes on RNA splicing suggest that this variant may create or strengthen a splice site. This variant has not been reported in the literature in individuals affected with PLCG2-related conditions. This variant is not present in population databases (gnomAD no frequency). This sequence change falls in intron 8 of the PLCG2 gene. It does not directly change the encoded amino acid sequence of the PLCG2 protein.

NM_002661.5(PLCG2):c.693-20C>G

Gene: PLCG2 (phospholipase C gamma 2; plus strand). Cytogenetic location: 16q23.3.
Variant type: single nucleotide variant.
Coding change: c.693-20C>G on transcript NM_002661.5 (MANE Select); 20 bases into the intron before coding-DNA position 693, C replaced by G.
Molecular consequence: intron variant.
Genome position (GRCh38, 1-based): chr16:81,883,249, C>G. VCF-style: chr16-81883249-C-G. GRCh37 (hg19) VCF-style: chr16-81916854-C-G.
Identifiers: ClinVar variation 2733758 (VCV002733758.3), dbSNP rs2507596552, ClinGen allele CA2697555989.
Genomic context (GRCh38, chr16:81,883,249, plus strand): 5'-GCCCCATTGGCTGGCATCTCCTCTCGACTCCTCTGTTGAATGTGTCTGTCTCTAACTGCA[C>G]CCCCTTTCCCCGAGGATAGGAACACTGACAGGCCGGATGCCTCTGCTGTTTACCTGCATG-3'